The following is an entry in ClinVar:

NM_170675.5(MEIS2):c.236C>G (p.Ala79Gly)

Gene: MEIS2 (Meis homeobox 2; minus strand). Cytogenetic location: 15q14.
Variant type: single nucleotide variant.
Coding change: c.236C>G on transcript NM_170675.5 (MANE Select); coding-DNA position 236, C replaced by G.
Protein change: p.Ala79Gly; replaces alanine 79 with glycine.
Molecular consequence: missense variant. On other transcripts: 5 prime UTR variant (1), non-coding transcript variant (1).
Genome position (GRCh38, 1-based): chr15:37,097,976, G>C on the plus strand (C>G on the coding strand, the complement: MEIS2 is on the minus strand). VCF-style: chr15-37097976-G-C. GRCh37 (hg19) VCF-style: chr15-37390177-G-C.
Other names: c.236C>G, p.Ala79Gly (NM_001220482.2, NM_170674.5, NM_170676.5 and 1 more transcripts); c.197C>G, p.Ala66Gly (NM_002399.4, NM_172315.3); c.-6C>G (NM_172316.3); short protein forms A66G, A79G.
Identifiers: ClinVar variation 1699300 (VCV001699300.3), dbSNP rs1208597242, ClinGen allele CA391928834.

ClinVar aggregate classification (germline): Uncertain significance (1 of 4 stars; one submission).

Conditions:
Cardiac malformation, cleft lip/palate, microcephaly, and digital anomalies. Also called: CLEFT PALATE, CARDIAC DEFECTS, AND IMPAIRED INTELLECTUAL DEVELOPMENT. Identifiers: MedGen C1832950, MONDO:0010970, OMIM 600987.

Submission:

Victorian Clinical Genetics Services, Murdoch Childrens Research Institute
Classification: Uncertain significance for Cardiac malformation, cleft lip/palate, microcephaly, and digital anomalies. Last evaluated: 2022-06-24. Review status: criteria provided, single submitter. Criteria: ACMG Guidelines, 2015. Collection method: clinical testing. Allele origin: germline. Inheritance: Autosomal dominant inheritance. Affected: yes.
Comment: Based on the classification scheme VCGS_Germline_v1.3.4, this variant is classified as VUS-3B. Following criteria are met: 0102 - Loss of function is a known mechanism of disease in this gene and is associated with cleft palate, cardiac defects, and intellectual disability (MIM#600987) (PMID: 30291340). A dominant negative mechanism of disease has also been postulated for variants affecting the homeodomain (PMID 30055086; PMID: 25712757). (I) 0107 - This gene is associated with autosomal dominant disease. (I) 0200 - Variant is predicted to result in a missense amino acid change from alanine to glycine. (I) 0251 - This variant is heterozygous. (I) 0301 - Variant is absent from gnomAD (both v2 and v3). (SP) 0309 - Multiple alternative amino acid changes at the same position have been observed in gnomAD (v3; highest allele count: 3 heterozygotes, 0 homozygotes). (I) 0502 - Missense variant with conflicting in silico predictions and uninformative conservation. (I) 0603 - Missense variant in a region that is highly intolerant to missense variation (high constraint region in DECIPHER). (SP) 0705 - No comparable missense variants have previous evidence for pathogenicity. (I) 0807 - This variant has no previous evidence of pathogenicity. (I) 0905 - No published segregation evidence has been identified for this variant. (I) 1007 - No published functional evidence has been identified for this variant. (I) 1208 - Inheritance information for this variant is not currently available in this individual. (I) Legend: (SP) - Supporting pathogenic, (I) - Information, (SB) - Supporting benign

Literature cited by the submitters: PubMed 25712757; PubMed 30055086; PubMed 30291340.